The following is an entry in ClinVar:

ClinVar aggregate classification (germline): Pathogenic (1 of 4 stars; one submission).

Conditions:
Familial cancer of breast. Also called: hereditary breast carcinoma; Hereditary breast cancer; BREAST CANCER, FAMILIAL. Identifiers: Orphanet 227535, MedGen C0346153, MONDO:0016419, OMIM 114480. Disease mechanism: loss of function.

Submission:

Labcorp Genetics (formerly Invitae), Labcorp
Classification: Pathogenic for Familial cancer of breast. Last evaluated: 2024-04-16. Review status: criteria provided, single submitter. Criteria: Invitae Variant Classification Sherloc (09022015). Collection method: clinical testing. Allele origin: germline.
Comment: This sequence change creates a premature translational stop signal (p.Phe283Leufs*5) in the PALB2 gene. It is expected to result in an absent or disrupted protein product. Loss-of-function variants in PALB2 are known to be pathogenic (PMID: 17200668, 17200671, 17200672, 24136930, 25099575). This variant is not present in population databases (gnomAD no frequency). This variant has not been reported in the literature in individuals affected with PALB2-related conditions. ClinVar contains an entry for this variant (Variation ID: 1076588). For these reasons, this variant has been classified as Pathogenic.

Literature cited by the submitters: PubMed 17200668; PubMed 17200671; PubMed 17200672; PubMed 24136930; PubMed 25099575.

NM_024675.4(PALB2):c.849del (p.Phe283fs)

Gene: PALB2 (partner and localizer of BRCA2; minus strand). Cytogenetic location: 16p12.2.
Variant type: Deletion.
Coding change: c.849del on transcript NM_024675.4 (MANE Select); coding-DNA position 849, one base deleted (T; older notation c.849delT).
Protein change: p.Phe283fs; shifts the reading frame from phenylalanine 283.
Molecular consequence: frameshift variant.
Genome position (GRCh38, 1-based): chr16:23,635,697, A deleted on the plus strand (T on the coding strand, the reverse complement: PALB2 is on the minus strand); the first of 3 consecutive A bases (chr16:23,635,697-23,635,699); deleting any one gives the same sequence. VCF-style (leftmost placement, unchanged base first): chr16-23635696-TA-T. GRCh37 (hg19) VCF-style: chr16-23647017-TA-T.
Other names: short protein forms F283fs.
Identifiers: ClinVar variation 1076588 (VCV001076588.8), dbSNP rs2142432863, ClinGen allele CA2499223444.
Genomic context (GRCh38, chr16:23,635,696, plus strand): 5'-GGAGGTTATCTGTAGAGACAGTCATTTTTTTGCCTTGTGCCTCCAAACTTACAGGTGAAG[TA>T]AATCTAATGTTTTTTAGGTCGTGAGTAGTAAGTTCACTGCTACCTTTAGGAGGAATGTGT-3'